The following is an entry in ClinVar:

ClinVar aggregate classification (germline): Uncertain significance (1 of 4 stars; one submission).

Conditions:
Neuromuscular disease caused by qualitative or quantitative defects of dysferlin. Also called: Dysferlinopathy; Qualitative or quantitative defects of dysferlin. Identifiers: Orphanet 207073, MedGen C2931687, MONDO:0016145.

Submission:

Labcorp Genetics (formerly Invitae), Labcorp
Classification: Uncertain significance for Neuromuscular disease caused by qualitative or quantitative defects of dysferlin. Last evaluated: 2022-08-23. Review status: criteria provided, single submitter. Criteria: Invitae Variant Classification Sherloc (09022015). Collection method: clinical testing. Allele origin: germline.
Comment: This sequence change replaces leucine, which is neutral and non-polar, with phenylalanine, which is neutral and non-polar, at codon 1653 of the DYSF protein (p.Leu1653Phe). This variant is not present in population databases (gnomAD no frequency). This variant has not been reported in the literature in individuals affected with DYSF-related conditions. Advanced modeling of protein sequence and biophysical properties (such as structural, functional, and spatial information, amino acid conservation, physicochemical variation, residue mobility, and thermodynamic stability) performed at Invitae indicates that this missense variant is not expected to disrupt DYSF protein function. In summary, the available evidence is currently insufficient to determine the role of this variant in disease. Therefore, it has been classified as a Variant of Uncertain Significance.

NM_001130987.2(DYSF):c.5074C>T (p.Leu1692Phe)

Gene: DYSF (dysferlin; plus strand). Cytogenetic location: 2p13.2.
Variant type: single nucleotide variant.
Coding change: c.5074C>T on transcript NM_001130987.2 (MANE Select); coding-DNA position 5074, C replaced by T.
Protein change: p.Leu1692Phe; replaces leucine 1692 with phenylalanine.
Molecular consequence: missense variant.
Genome position (GRCh38, 1-based): chr2:71,664,338, C>T. VCF-style: chr2-71664338-C-T. GRCh37 (hg19) VCF-style: chr2-71891468-C-T.
Other names: c.4960C>T, p.Leu1654Phe (NM_001130455.2); c.4915C>T, p.Leu1639Phe (NM_001130976.2); c.4978C>T, p.Leu1660Phe (NM_001130977.2); c.5020C>T, p.Leu1674Phe (NM_001130978.2); c.5050C>T, p.Leu1684Phe (NM_001130979.2); c.5008C>T, p.Leu1670Phe (NM_001130980.2); c.5071C>T, p.Leu1691Phe (NM_001130981.2); c.5053C>T, p.Leu1685Phe (NM_001130982.2); and 5 more; short protein forms L1639F, L1640F, L1654F, L1670F, L1674F, L1653F, L1685F, L1692F.
Identifiers: ClinVar variation 1963028 (VCV001963028.2), dbSNP rs2094957346, ClinGen allele CA347220344.
Genomic context (GRCh38, chr2:71,664,338, plus strand): 5'-CTGACCTGCACTCTGCCTCTGGAGAAGGACCTAAAGATCACTCTCTATGACTATGACCTC[C>T]TCTCCAAGGACGAAAAGATCGGTGAGACGGTCGTCGACCTGGAGAACAGGCTGCTGTCCA-3'
Protein context (NP_001124459.1, residues 1682-1702): LKITLYDYDL[Leu1692Phe]SKDEKIGETV